The following is an entry in ClinVar:

NM_147127.5(EVC2):c.1681del (p.Met561fs)

Gene: EVC2 (EvC ciliary complex subunit 2; minus strand). Cytogenetic location: 4p16.2.
Variant type: Deletion.
Coding change: c.1681del on transcript NM_147127.5 (MANE Select); coding-DNA position 1681, one base deleted (A; older notation c.1681delA).
Protein change: p.Met561fs; shifts the reading frame from methionine 561.
Molecular consequence: frameshift variant.
Genome position (GRCh38, 1-based): chr4:5,631,822, T deleted on the plus strand (A on the coding strand, the reverse complement: EVC2 is on the minus strand); the first of 4 consecutive T bases (chr4:5,631,822-5,631,825); deleting any one gives the same sequence. VCF-style (leftmost placement, unchanged base first): chr4-5631821-AT-A. GRCh37 (hg19) VCF-style: chr4-5633548-AT-A.
Other names: c.1441del, p.Met481fs (NM_001166136.2); short protein forms M481fs, M561fs.
Identifiers: ClinVar variation 5013842 (VCV005013842.1).

ClinVar aggregate classification (germline): Pathogenic (1 of 4 stars; one submission).

Conditions:
Ellis-van Creveld syndrome (EVC). Also called: MESOECTODERMAL DYSPLASIA; Chondroectodermal dysplasia. Identifiers: Orphanet 289, MedGen C0013903, MONDO:0009162, OMIM 225500.

Submission:

Myriad Genetics, Inc.
Classification: Pathogenic for Ellis-van Creveld syndrome. Last evaluated: 2024-12-10. Review status: criteria provided, single submitter. Criteria: Myriad Autosomal Dominant, Autosomal Recessive and X-Linked Classification Criteria (2023). Collection method: clinical testing. Allele origin: unknown.
Comment: NM_147127.4(EVC2):c.1681delA(M561Cfs*13) is expected to be pathogenic in the context of EVC2-related Ellis-van Creveld syndrome. This variant is predicted to lead to an abnormal or absent protein product due to the creation of a premature termination codon in EVC2, a gene where loss-of-function variants are known to be pathogenic. Please note: this variant was assessed in the context of healthy population screening.